The following is an entry in ClinVar:

ClinVar aggregate classification (germline): Conflicting classifications of pathogenicity. Review status: criteria provided, conflicting classifications (1 of 4 stars). 4 submissions from 4 submitters: Uncertain significance (1); Benign (2); Likely benign (1). Last evaluated 2026-08-13.

Conditions:
ABCA4-related disorder. Also called: ABCA4-related condition; ABCA4-related disorders. Identifiers: MedGen CN239167.

Allele frequency attached by ClinVar (database versions not stated): gnomAD exomes 0.00016 and 0.00063; gnomAD 0.00028 and 0.00038; TOPMed 0.00033; ExAC 0.00065; 1000 Genomes Project 0.00200; 1000 Genomes Project 30x 0.00219.
gnomAD v4.1: 289 of 1,614,014 alleles (0.018%); highest among the groups gnomAD compares: East Asian, 0.62%; 2 homozygotes.

Submissions (4):

PreventionGenetics, part of Exact Sciences
Classification: Benign for ABCA4-related condition. Last evaluated: 2026-08-13. Review status: criteria provided, single submitter. Criteria: ACMG Guidelines, 2015. Collection method: clinical testing. Allele origin: germline.
Comment: This variant is classified as benign based on ACMG/AMP sequence variant interpretation guidelines (Richards et al. 2015 PMID: 25741868, with internal and published modifications).

Labcorp Genetics (formerly Invitae), Labcorp
Classification: Benign. Last evaluated: 2025-11-19. Review status: criteria provided, single submitter. Criteria: Invitae Variant Classification Sherloc (09022015). Collection method: clinical testing. Allele origin: germline.

Blueprint Genetics
Classification: Likely benign. Last evaluated: 2024-10-31. Review status: criteria provided, single submitter. Criteria: ACMG Guidelines, 2015. Collection method: clinical testing. Allele origin: germline.

Illumina Laboratory Services, Illumina
Classification: Uncertain significance for ABCA4-Related Disorders. Last evaluated: 2018-01-13. Review status: criteria provided, single submitter. Criteria: ICSL Variant Classification Criteria 13 December 2019. Collection method: clinical testing. Allele origin: germline.

NM_000350.3(ABCA4):c.2744-5C>T

Gene: ABCA4 (ATP binding cassette subfamily A member 4; minus strand). Cytogenetic location: 1p22.1.
Variant type: single nucleotide variant.
Coding change: c.2744-5C>T on transcript NM_000350.3 (MANE Select); 5 bases into the intron before coding-DNA position 2744, C replaced by T.
Molecular consequence: intron variant.
Genome position (GRCh38, 1-based): chr1:94,047,098, G>A on the plus strand (C>T on the coding strand, the complement: ABCA4 is on the minus strand). VCF-style: chr1-94047098-G-A. GRCh37 (hg19) VCF-style: chr1-94512654-G-A.
Identifiers: ClinVar variation 298254 (VCV000298254.18), dbSNP rs76305791, ClinGen allele CA958166.